The following is an entry in ClinVar:

NM_002485.5(NBN):c.942G>A (p.Val314=)

Gene: NBN (nibrin; minus strand). Cytogenetic location: 8q21.3.
Variant type: single nucleotide variant.
Coding change: c.942G>A on transcript NM_002485.5 (MANE Select); coding-DNA position 942, G replaced by A.
Protein change: p.Val314=; no amino-acid change (valine 314 retained).
Molecular consequence: synonymous variant.
Genome position (GRCh38, 1-based): chr8:89,964,462, C>T on the plus strand (G>A on the coding strand, the complement: NBN is on the minus strand). VCF-style: chr8-89964462-C-T. GRCh37 (hg19) VCF-style: chr8-90976690-C-T.
Other names: c.696G>A, p.Val232= (NM_001024688.3).
Identifiers: ClinVar variation 232196 (VCV000232196.45), dbSNP rs749757928, ClinGen allele CA4802845.

ClinVar aggregate classification (germline): Likely benign. Review status: criteria provided, multiple submitters, no conflicts (2 of 4 stars). 6 submissions from 6 submitters: Likely benign (6). Last evaluated 2025-08-29.

Conditions:
Hereditary cancer-predisposing syndrome. Also called: Neoplastic Syndromes, Hereditary; Hereditary Cancer Syndrome; Tumor predisposition; Hereditary neoplastic syndrome. Identifiers: Orphanet 140162, MedGen C0027672, MeSH D009386, MONDO:0015356.
Microcephaly, normal intelligence and immunodeficiency (NBS). Also called: Immunodeficiency, microcephaly with normal intelligence; BERLIN BREAKAGE SYNDROME; SEEMANOVA SYNDROME II; Ataxia telangiectasia variant V1; Nijmegen breakage syndrome; Microcephaly with normal intelligence immunodeficiency and lymphoreticular malignancies. Identifiers: Orphanet 647, MedGen C0398791, MONDO:0009623, OMIM 251260.

Allele frequency attached by ClinVar (database versions not stated): gnomAD exomes below 0.00001; TOPMed below 0.00001; ExAC 0.00001.
gnomAD v4.1: 5 of 1,612,910 alleles (0.00031%); highest among the groups gnomAD compares: Middle Eastern, 0.017%; no homozygotes.

Submissions (6):

Quest Diagnostics Nichols Institute San Juan Capistrano
Classification: Likely benign. Last evaluated: 2025-08-29. Review status: criteria provided, single submitter. Criteria: Quest Diagnostics criteria. Collection method: clinical testing. Allele origin: unknown.

Labcorp Genetics (formerly Invitae), Labcorp
Classification: Likely benign for Microcephaly, normal intelligence and immunodeficiency. Last evaluated: 2025-01-14. Review status: criteria provided, single submitter. Criteria: Invitae Variant Classification Sherloc (09022015). Collection method: clinical testing. Allele origin: germline.

CeGaT Center for Human Genetics Tuebingen
Classification: Likely benign. Last evaluated: 2023-01-01. Review status: criteria provided, single submitter. Criteria: CeGaT Center For Human Genetics Tuebingen Variant Classification Criteria Version 2. Collection method: clinical testing. Allele origin: germline. Affected: yes. Observed: 1 variant allele.
Comment: NBN: BP4, BP7

Sema4
Classification: Likely benign for Hereditary cancer-predisposing syndrome. Last evaluated: 2021-03-14. Review status: criteria provided, single submitter. Criteria: Sema4 Curation Guidelines. Collection method: curation. Allele origin: germline.

GeneDx
Classification: Likely benign. Last evaluated: 2019-02-20. Review status: criteria provided, single submitter. Criteria: GeneDx Variant Classification Process June 2021. Collection method: clinical testing. Allele origin: germline. Affected: yes.

Ambry Genetics
Classification: Likely benign for Hereditary cancer-predisposing syndrome. Last evaluated: 2015-06-04. Review status: criteria provided, single submitter. Criteria: Ambry Variant Classification Scheme 2023. Collection method: clinical testing. Allele origin: germline.